The following is an entry in ClinVar:

NM_000038.6(APC):c.6366A>G (p.Ala2122=)

Gene: APC (APC regulator of Wnt signaling pathway; plus strand). Cytogenetic location: 5q22.2.
Variant type: single nucleotide variant.
Coding change: c.6366A>G on transcript NM_000038.6 (MANE Select); coding-DNA position 6366, A replaced by G.
Protein change: p.Ala2122=; no amino-acid change (alanine 2122 retained).
Molecular consequence: synonymous variant.
Genome position (GRCh38, 1-based): chr5:112,841,960, A>G. VCF-style: chr5-112841960-A-G. GRCh37 (hg19) VCF-style: chr5-112177657-A-G.
Other names: c.6366A>G, p.Ala2122= (NM_001127510.3, NM_001354895.2); c.6312A>G, p.Ala2104= (NM_001127511.3); c.6420A>G, p.Ala2140= (NM_001354896.2); c.6396A>G, p.Ala2132= (NM_001354897.2); c.6291A>G, p.Ala2097= (NM_001354898.2); c.6282A>G, p.Ala2094= (NM_001354899.2); c.6243A>G, p.Ala2081= (NM_001354900.2); c.6189A>G, p.Ala2063= (NM_001354901.2); and 5 more.
Identifiers: ClinVar variation 826354 (VCV000826354.9), dbSNP rs370948574, ClinGen allele CA446210373.

ClinVar aggregate classification (germline): Benign/Likely benign. Review status: criteria provided, multiple submitters, no conflicts (2 of 4 stars). 4 submissions from 4 submitters: Benign (1); Likely benign (3). Last evaluated 2025-03-19.

Conditions:
Hereditary cancer-predisposing syndrome. Also called: Neoplastic Syndromes, Hereditary; Tumor predisposition; Hereditary neoplastic syndrome; Hereditary Cancer Syndrome. Identifiers: Orphanet 140162, MedGen C0027672, MeSH D009386, MONDO:0015356.
Familial adenomatous polyposis 1 (FAP1). Also called: POLYPOSIS, ADENOMATOUS INTESTINAL; FAMILIAL ADENOMATOUS POLYPOSIS 1, ATTENUATED. Identifiers: MedGen C2713442, MONDO:0021056, OMIM 175100. Disease mechanism: loss of function.

gnomAD v4.1: 1 of 1,613,474 alleles (0.000062%); highest among the groups gnomAD compares: South Asian, 0.0011%; no homozygotes.

Submissions (4):

Labcorp Genetics (formerly Invitae), Labcorp
Classification: Likely benign for Familial adenomatous polyposis 1. Last evaluated: 2025-03-19. Review status: criteria provided, single submitter. Criteria: Invitae Variant Classification Sherloc (09022015). Collection method: clinical testing. Allele origin: germline.

Myriad Genetics, Inc.
Classification: Benign for Familial adenomatous polyposis 1. Last evaluated: 2024-04-04. Review status: criteria provided, single submitter. Criteria: Myriad Autosomal Dominant, Autosomal Recessive and X-Linked Classification Criteria (2023). Collection method: clinical testing. Allele origin: unknown.
Comment: This variant is considered benign. This variant is a silent/synonymous amino acid change and it is not expected to impact splicing.

Color Diagnostics, LLC DBA Color Health
Classification: Likely benign for Hereditary cancer-predisposing syndrome. Last evaluated: 2018-11-28. Review status: criteria provided, single submitter. Criteria: ACMG Guidelines, 2015. Collection method: clinical testing. Allele origin: germline.

Ambry Genetics
Classification: Likely benign for Hereditary cancer-predisposing syndrome. Last evaluated: 2018-07-18. Review status: criteria provided, single submitter. Criteria: Ambry Variant Classification Scheme 2023. Collection method: clinical testing. Allele origin: germline.